The following is an entry in ClinVar:

ClinVar aggregate classification (germline): Likely benign (1 of 4 stars; one submission).

gnomAD v4.1: 71 of 1,613,360 alleles (0.0044%); highest among the groups gnomAD compares: South Asian, 0.072%; no homozygotes.

Submission:

CeGaT Center for Human Genetics Tuebingen
Classification: Likely benign. Last evaluated: 2024-09-01. Review status: criteria provided, single submitter. Criteria: CeGaT Center For Human Genetics Tuebingen Variant Classification Criteria Version 2. Collection method: clinical testing. Allele origin: germline. Affected: yes. Observed: 1 variant allele.
Comment: INTS1: BP4, BP7

NM_001080453.3(INTS1):c.1485G>A (p.Ser495=)

Gene: INTS1 (integrator complex subunit 1; minus strand). Cytogenetic location: 7p22.3.
Variant type: single nucleotide variant.
Coding change: c.1485G>A on transcript NM_001080453.3 (MANE Select); coding-DNA position 1485, G replaced by A.
Protein change: p.Ser495=; no amino-acid change (serine 495 retained).
Molecular consequence: synonymous variant.
Genome position (GRCh38, 1-based): chr7:1,497,255, C>T on the plus strand (G>A on the coding strand, the complement: INTS1 is on the minus strand). VCF-style: chr7-1497255-C-T. GRCh37 (hg19) VCF-style: chr7-1536891-C-T.
Identifiers: ClinVar variation 3389097 (VCV003389097.14).